The following is an entry in ClinVar:

ClinVar aggregate classification (germline): Uncertain significance (1 of 4 stars; one submission).

Conditions:
Noonan syndrome 9 (NS9). Identifiers: Orphanet 648, MedGen C4225282, MONDO:0014691, OMIM 616559.

Submission:

Dasa
Classification: Uncertain significance for Noonan syndrome 9. Last evaluated: 2025-07-21. Review status: criteria provided, single submitter. Criteria: DASA Assertion Criteria. Collection method: clinical testing. Allele origin: germline.
Comment: NM_006939.4(SOS2):c.1269T>G (p.Ile423Met) is a missense variant that results in the substitution of isoleucine with methionine. Published studies describe this variant in association with related phenotype (PMID: 29493581). Also, this variant is absent from population databases. The currently available literature and clinical evidence are not sufficient to establish a definitive association between this variant and the reported condition. Therefore, this variant is classified as a variant of uncertain significance.

Literature cited by the submitters: PubMed 29493581.

NM_006939.4(SOS2):c.1269T>G (p.Ile423Met)

Gene: SOS2 (SOS Ras/Rho guanine nucleotide exchange factor 2; minus strand). Cytogenetic location: 14q21.3.
Variant type: single nucleotide variant.
Coding change: c.1269T>G on transcript NM_006939.4 (MANE Select); coding-DNA position 1269, T replaced by G.
Protein change: p.Ile423Met; replaces isoleucine 423 with methionine.
Molecular consequence: missense variant.
Genome position (GRCh38, 1-based): chr14:50,160,014, A>C on the plus strand (T>G on the coding strand, the complement: SOS2 is on the minus strand). VCF-style: chr14-50160014-A-C. GRCh37 (hg19) VCF-style: chr14-50626732-A-C.
Other names: c.1170T>G, p.Ile390Met (NM_001411020.1); short protein forms I390M, I423M.
Identifiers: ClinVar variation 4882950 (VCV004882950.2).